The following is an entry in ClinVar:

NM_001943.5(DSG2):c.2402A>C (p.Gln801Pro)

Genes: DSG2 (desmoglein 2; plus strand), DSG2-AS1 (DSG2 antisense RNA 1; minus strand). Cytogenetic location: 18q12.1.
Variant type: single nucleotide variant.
Coding change: c.2402A>C on transcript NM_001943.5 (MANE Select); coding-DNA position 2402, A replaced by C.
Protein change: p.Gln801Pro; replaces glutamine 801 with proline.
Molecular consequence: missense variant. On other transcripts: non-coding transcript variant (1).
Genome position (GRCh38, 1-based): chr18:31,545,788, A>C. VCF-style: chr18-31545788-A-C. GRCh37 (hg19) VCF-style: chr18-29125751-A-C.
Other names: short protein forms Q801P.
Identifiers: ClinVar variation 4086434 (VCV004086434.1).

ClinVar aggregate classification (germline): Uncertain significance (1 of 4 stars; one submission).

Submission:

GeneDx
Classification: Uncertain significance. Last evaluated: 2025-03-22. Review status: criteria provided, single submitter. Criteria: GeneDx Variant Classification Process June 2021. Collection method: clinical testing. Allele origin: germline. Affected: yes.
Comment: Not observed at significant frequency in large population cohorts (gnomAD); In silico analysis supports that this missense variant has a deleterious effect on protein structure/function; Has not been previously published as pathogenic or benign to our knowledge